The following is an entry in ClinVar:

NM_000214.3(JAG1):c.711C>T (p.Gly237=)

Gene: JAG1 (jagged canonical Notch ligand 1; minus strand). Cytogenetic location: 20p12.2.
Variant type: single nucleotide variant.
Coding change: c.711C>T on transcript NM_000214.3 (MANE Select); coding-DNA position 711, C replaced by T.
Protein change: p.Gly237=; no amino-acid change (glycine 237 retained).
Molecular consequence: synonymous variant.
Genome position (GRCh38, 1-based): chr20:10,656,442, G>A on the plus strand (C>T on the coding strand, the complement: JAG1 is on the minus strand). VCF-style: chr20-10656442-G-A. GRCh37 (hg19) VCF-style: chr20-10637090-G-A.
Other names: c.711C>T, p.Gly237= (LRG_1191t1).
Identifiers: ClinVar variation 500820 (VCV000500820.7), dbSNP rs1555829409, ClinGen allele CA509662092.

ClinVar aggregate classification (germline): Uncertain significance (1 of 4 stars; one submission).

Submissions (2):

Eurofins Ntd Llc (ga)
Classification: Uncertain significance. Last evaluated: 2017-03-13. Review status: criteria provided, single submitter. Criteria: EGL Classification Definitions 2015. Collection method: clinical testing. Allele origin: germline. Observed: 1 variant allele, 1 heterozygote.

Gilbert/Spinner Lab, Children's Hospital of Philadelphia
No classification provided (evidence only). Condition: Alagille syndrome. Review status: no classification provided. Collection method: research. Allele origin: not applicable. Functional consequence: functionally_abnormal. Not counted in ClinVar's aggregate classification.
ClinVar note: "not provided" was previously submitted as the classification for the variant. However, the classification appeared to be based only on an observation of functional data so it was converted to no classification on 2025-07-30.